The following is an entry in ClinVar:

ClinVar aggregate classification (germline): Uncertain significance. Review status: criteria provided, multiple submitters, no conflicts (2 of 4 stars). 5 submissions from 5 submitters: Uncertain significance (3). 2 of the submissions do not count toward it. Last evaluated 2026-05-02.

Conditions:
CHARGE syndrome (CHARGE). Also called: Hittner Hirsch Kreh syndrome; CHARGE ASSOCIATION--COLOBOMA, HEART ANOMALY, CHOANAL ATRESIA, RETARDATION, GENITAL AND EAR ANOMALIES; Coloboma, heart anomaly, choanal atresia, retardation, genital and ear anomalies; CHARGE association; Hall-Hittner syndrome. Identifiers: Orphanet 138, MedGen C0265354, MONDO:0008965.
SEMA3E-related disorder. Also called: SEMA3E-related condition.

Allele frequency attached by ClinVar (database versions not stated): gnomAD 0.00005 and 0.00006; ExAC 0.00006; gnomAD exomes 0.00006 and 0.00007; TOPMed 0.00007; ESP Exome Variant Server 0.00023.

Submissions (5):

PreventionGenetics, part of Exact Sciences
Classification: Uncertain significance for SEMA3E-related condition. Last evaluated: 2026-05-02. Review status: criteria provided, single submitter. Criteria: ACMG Guidelines, 2015. Collection method: clinical testing. Allele origin: germline.
Comment: The SEMA3E c.479C>T variant is predicted to result in the amino acid substitution p.Ser160Leu. To our knowledge, this variant has not been reported in the literature. This variant is reported in 0.017% of alleles in individuals of European (Non-Finnish) descent in gnomAD. At this time, the clinical significance of this variant is uncertain due to the absence of conclusive functional and genetic evidence.

Labcorp Genetics (formerly Invitae), Labcorp
Classification: Uncertain significance for CHARGE syndrome. Last evaluated: 2025-12-19. Review status: criteria provided, single submitter. Criteria: Invitae Variant Classification Sherloc (09022015). Collection method: clinical testing. Allele origin: germline.
Comment: This sequence change replaces serine, which is neutral and polar, with leucine, which is neutral and non-polar, at codon 160 of the SEMA3E protein (p.Ser160Leu). This variant is present in population databases (rs142392597, gnomAD 0.02%). This variant has not been reported in the literature in individuals affected with SEMA3E-related conditions. ClinVar contains an entry for this variant (Variation ID: 1053381). Invitae Evidence Modeling of protein sequence and biophysical properties (such as structural, functional, and spatial information, amino acid conservation, physicochemical variation, residue mobility, and thermodynamic stability) indicates that this missense variant is not expected to disrupt SEMA3E protein function with a negative predictive value of 80%. In summary, the available evidence is currently insufficient to determine the role of this variant in disease. Therefore, it has been classified as a Variant of Uncertain Significance.

Ambry Genetics
Classification: Uncertain significance. Last evaluated: 2022-06-29. Review status: criteria provided, single submitter. Criteria: Ambry Variant Classification Scheme 2023. Collection method: clinical testing. Allele origin: germline.

Diagnostic Laboratory, Department of Genetics, University Medical Center Groningen
Classification: Likely benign. Review status: no assertion criteria provided. Collection method: clinical testing. Allele origin: germline. Affected: yes. Study: VKGL Data-share Consensus. Not counted in ClinVar's aggregate classification.

Genome Diagnostics Laboratory, University Medical Center Utrecht
Classification: Likely benign. Review status: no assertion criteria provided. Collection method: clinical testing. Allele origin: germline. Affected: yes. Study: VKGL Data-share Consensus. Not counted in ClinVar's aggregate classification.

NM_012431.3(SEMA3E):c.479C>T (p.Ser160Leu)

Gene: SEMA3E (semaphorin 3E; minus strand). Cytogenetic location: 7q21.11.
Variant type: single nucleotide variant.
Coding change: c.479C>T on transcript NM_012431.3 (MANE Select); coding-DNA position 479, C replaced by T.
Protein change: p.Ser160Leu; replaces serine 160 with leucine.
Molecular consequence: missense variant.
Genome position (GRCh38, 1-based): chr7:83,418,461, G>A on the plus strand (C>T on the coding strand, the complement: SEMA3E is on the minus strand). VCF-style: chr7-83418461-G-A. GRCh37 (hg19) VCF-style: chr7-83047777-G-A.
Other names: c.299C>T, p.Ser100Leu (NM_001178129.2); c.479C>T (NM_012431.2); short protein forms S100L, S160L.
Identifiers: ClinVar variation 1053381 (VCV001053381.14), dbSNP rs142392597, ClinGen allele CA4322324.